The following is an entry in ClinVar:

NM_024675.4(PALB2):c.1109A>G (p.Gln370Arg)

Gene: PALB2 (partner and localizer of BRCA2; minus strand). Cytogenetic location: 16p12.2.
Variant type: single nucleotide variant.
Coding change: c.1109A>G on transcript NM_024675.4 (MANE Select); coding-DNA position 1109, A replaced by G.
Protein change: p.Gln370Arg; replaces glutamine 370 with arginine.
Molecular consequence: missense variant.
Genome position (GRCh38, 1-based): chr16:23,635,437, T>C on the plus strand (A>G on the coding strand, the complement: PALB2 is on the minus strand). VCF-style: chr16-23635437-T-C. GRCh37 (hg19) VCF-style: chr16-23646758-T-C.
Other names: short protein forms Q370R.
Identifiers: ClinVar variation 460879 (VCV000460879.10), dbSNP rs1555461447, ClinGen allele CA395133799.

ClinVar aggregate classification (germline): Conflicting classifications of pathogenicity. Review status: criteria provided, conflicting classifications (1 of 4 stars). 2 submissions from 2 submitters: Uncertain significance (1); Likely benign (1). Last evaluated 2025-08-18.

Conditions:
Hereditary cancer-predisposing syndrome. Also called: Neoplastic Syndromes, Hereditary; Hereditary Cancer Syndrome; Hereditary neoplastic syndrome; Tumor predisposition. Identifiers: Orphanet 140162, MedGen C0027672, MeSH D009386, MONDO:0015356.
Familial cancer of breast. Also called: BREAST CANCER, FAMILIAL; Hereditary breast cancer; hereditary breast carcinoma. Identifiers: Orphanet 227535, MedGen C0346153, MONDO:0016419, OMIM 114480. Disease mechanism: loss of function.

Submissions (2):

Ambry Genetics
Classification: Likely benign for Hereditary cancer-predisposing syndrome. Last evaluated: 2025-08-18. Review status: criteria provided, single submitter. Criteria: Ambry Variant Classification Scheme 2023. Collection method: clinical testing. Allele origin: germline.

Labcorp Genetics (formerly Invitae), Labcorp
Classification: Uncertain significance for Familial cancer of breast. Last evaluated: 2017-06-04. Review status: criteria provided, single submitter. Criteria: Invitae Variant Classification Sherloc (09022015). Collection method: clinical testing. Allele origin: germline.
Comment: In summary, this variant has uncertain impact on PALB2 function. The available evidence is currently insufficient to determine its role in disease. Therefore, it has been classified as a Variant of Uncertain Significance. Algorithms developed to predict the effect of missense changes on protein structure and function (SIFT, PolyPhen-2, Align-GVGD) all suggest that this variant is likely to be tolerated, but these predictions have not been confirmed by published functional studies and their clinical significance is uncertain. This variant has not been reported in the literature in individuals with a PALB2-related disease. This variant is not present in population databases (ExAC no frequency). This sequence change replaces glutamine with arginine at codon 370 of the PALB2 protein (p.Gln370Arg). The glutamine residue is moderately conserved and there is a small physicochemical difference between glutamine and arginine.